The following is an entry in ClinVar:

ClinVar aggregate classification (germline): Uncertain significance. Review status: criteria provided, multiple submitters, no conflicts (2 of 4 stars). 2 submissions from 2 submitters: Uncertain significance (2). Last evaluated 2023-08-05.

Conditions:
Jeune thoracic dystrophy. Also called: Jeune syndrome; Infantile thoracic dystrophy; Thoracic pelvic phalangeal dystrophy; Jeune's syndrome; Chondroectodermal dysplasia-like syndrome; Short-rib thoracic dysplasia. Identifiers: Orphanet 474, MedGen C0265275, MONDO:0018770.
Nephronophthisis. Also called: Juvenile Nephronophthisis. Identifiers: Orphanet 655, MedGen C0687120, MONDO:0019005, HP:0000090.
Inborn genetic diseases. Identifiers: MedGen C0950123, MeSH D030342.

Allele frequency attached by ClinVar (database versions not stated): ExAC 0.00001; gnomAD exomes 0.00001; TOPMed 0.00003.

Submissions (2):

Ambry Genetics
Classification: Uncertain significance for Inborn genetic diseases. Last evaluated: 2023-08-05. Review status: criteria provided, single submitter. Criteria: Ambry Variant Classification Scheme 2023. Collection method: clinical testing. Allele origin: germline.

Labcorp Genetics (formerly Invitae), Labcorp
Classification: Uncertain significance for Jeune thoracic dystrophy; Nephronophthisis. Last evaluated: 2022-03-14. Review status: criteria provided, single submitter. Criteria: Invitae Variant Classification Sherloc (09022015). Collection method: clinical testing. Allele origin: germline.
Comment: In summary, the available evidence is currently insufficient to determine the role of this variant in disease. Therefore, it has been classified as a Variant of Uncertain Significance. Algorithms developed to predict the effect of missense changes on protein structure and function are either unavailable or do not agree on the potential impact of this missense change (SIFT: "Deleterious"; PolyPhen-2: "Benign"; Align-GVGD: "Class C15"). This variant has not been reported in the literature in individuals affected with TTC21B-related conditions. This variant is present in population databases (rs760903357, gnomAD 0.006%). This sequence change replaces glutamic acid, which is acidic and polar, with lysine, which is basic and polar, at codon 952 of the TTC21B protein (p.Glu952Lys).

NM_024753.5(TTC21B):c.2854G>A (p.Glu952Lys)

Gene: TTC21B (tetratricopeptide repeat domain 21B; minus strand). Cytogenetic location: 2q24.3.
Variant type: single nucleotide variant.
Coding change: c.2854G>A on transcript NM_024753.5 (MANE Select); coding-DNA position 2854, G replaced by A.
Protein change: p.Glu952Lys; replaces glutamic acid 952 with lysine.
Molecular consequence: missense variant.
Genome position (GRCh38, 1-based): chr2:165,899,784, C>T on the plus strand (G>A on the coding strand, the complement: TTC21B is on the minus strand). VCF-style: chr2-165899784-C-T. GRCh37 (hg19) VCF-style: chr2-166756294-C-T.
Other names: c.2854G>A (NM_024753.3); short protein forms E952K.
Identifiers: ClinVar variation 1944363 (VCV001944363.7), dbSNP rs760903357, ClinGen allele CA1941683.